The following is an entry in ClinVar:

NM_007194.4(CHEK2):c.592+84T>C

Gene: CHEK2 (checkpoint kinase 2; minus strand). Cytogenetic location: 22q12.1.
Variant type: single nucleotide variant.
Coding change: c.592+84T>C on transcript NM_007194.4 (MANE Select); 84 bases into the intron after coding-DNA position 592, T replaced by C.
Molecular consequence: intron variant. On other transcripts: missense variant (1).
Genome position (GRCh38, 1-based): chr22:28,724,893, A>G on the plus strand (T>C on the coding strand, the complement: CHEK2 is on the minus strand). VCF-style: chr22-28724893-A-G. GRCh37 (hg19) VCF-style: chr22-29120881-A-G.
Other names: c.475T>C, p.Trp159Arg (NM_001349956.3); c.-72+84T>C (NM_001437942.1); c.592+84T>C (NM_145862.3); c.-186+84T>C (NM_001257387.3); c.685+84T>C (NM_001438295.1, NM_001438293.1); c.721+84T>C (NM_001438294.1, NM_001005735.3); short protein forms W159R.
Identifiers: ClinVar variation 5020319 (VCV005020319.1).

ClinVar aggregate classification (germline): Likely benign (1 of 4 stars; one submission).

gnomAD v4.1: 19 of 1,422,544 alleles (0.0013%); highest among the groups gnomAD compares: African/African-American, 0.0084%; no homozygotes.

Submission:

Dasa
Classification: Likely benign. Last evaluated: 2026-06-23. Review status: criteria provided, single submitter. Criteria: DASA Assertion Criteria. Collection method: clinical testing. Allele origin: germline.
Comment: NM_001349956.2(CHEK2):c.475T>C (p.Trp159Arg) is a missense variant that results in the substitution of tryptophan with arginine. The variant context is inconsistent with a known disease-causing mechanism. Computational prediction algorithms are consistent with a benign effect. Therefore, based on the currently available evidence, this variant is classified as likely benign.